The following is an entry in ClinVar:

ClinVar aggregate classification (germline): Uncertain significance (1 of 4 stars; one submission).

Conditions:
Gastrointestinal stromal tumor. Also called: Gastrointestinal stroma tumor; Gastrointestinal stromal tumor, somatic. Identifiers: Orphanet 44890, MedGen C0238198, MeSH D046152, MONDO:0011719, OMIM 606764, HP:0100723.

Submission:

Labcorp Genetics (formerly Invitae), Labcorp
Classification: Uncertain significance for Gastrointestinal stromal tumor. Last evaluated: 2016-12-29. Review status: criteria provided, single submitter. Criteria: Invitae Variant Classification Sherloc (09022015). Collection method: clinical testing. Allele origin: germline.
Comment: This sequence change replaces serine with threonine at codon 645 of the KIT protein (p.Ser645Thr). The serine residue is highly conserved and there is a small physicochemical difference between serine and threonine. This variant is not present in population databases (ExAC no frequency) and has not been reported in the literature in individuals with a KIT-related disease. Algorithms developed to predict the effect of missense changes on protein structure and function (SIFT, PolyPhen-2, Align-GVGD) all suggest that this variant is likely to be disruptive, but these predictions have not been confirmed by published functional studies. In summary, this variant is a novel missense change with uncertain impact on protein function. It has been classified as a Variant of Uncertain Significance.

NM_000222.3(KIT):c.1934G>C (p.Ser645Thr)

Gene: KIT (KIT proto-oncogene, receptor tyrosine kinase; plus strand). Cytogenetic location: 4q12.
Variant type: single nucleotide variant.
Coding change: c.1934G>C on transcript NM_000222.3 (MANE Select); coding-DNA position 1934, G replaced by C.
Protein change: p.Ser645Thr; replaces serine 645 with threonine.
Molecular consequence: missense variant.
Genome position (GRCh38, 1-based): chr4:54,728,065, G>C. VCF-style: chr4-54728065-G-C. GRCh37 (hg19) VCF-style: chr4-55594231-G-C.
Other names: c.1922G>C, p.Ser641Thr (NM_001093772.2, NM_001385286.1); c.1937G>C, p.Ser646Thr (NM_001385284.1, NM_001385290.1); c.1934G>C, p.Ser645Thr (NM_001385285.1); c.1925G>C, p.Ser642Thr (NM_001385288.1, NM_001385292.1); short protein forms S645T, S641T, S642T, S646T.
Identifiers: ClinVar variation 409777 (VCV000409777.9), dbSNP rs1060502566, ClinGen allele CA16611604.